The following is an entry in ClinVar:

ClinVar aggregate classification (germline): Uncertain significance (1 of 4 stars; one submission).

Conditions:
Hereditary cancer-predisposing syndrome. Also called: Neoplastic Syndromes, Hereditary; Hereditary Cancer Syndrome; Tumor predisposition; Hereditary neoplastic syndrome. Identifiers: Orphanet 140162, MedGen C0027672, MeSH D009386, MONDO:0015356.

Submission:

Ambry Genetics
Classification: Uncertain significance for Hereditary cancer-predisposing syndrome. Last evaluated: 2025-01-25. Review status: criteria provided, single submitter. Criteria: Ambry Variant Classification Scheme 2023. Collection method: clinical testing. Allele origin: germline.
Comment: The p.Q495R variant (also known as c.1484A>G), located in coding exon 11 of the POT1 gene, results from an A to G substitution at nucleotide position 1484. The glutamine at codon 495 is replaced by arginine, an amino acid with highly similar properties. This amino acid position is conserved. In addition, the in silico prediction for this alteration is inconclusive. Based on the available evidence, the clinical significance of this variant remains unclear.

NM_015450.3(POT1):c.1484A>G (p.Gln495Arg)

Gene: POT1 (protection of telomeres 1; minus strand). Cytogenetic location: 7q31.33.
Variant type: single nucleotide variant.
Coding change: c.1484A>G on transcript NM_015450.3 (MANE Select); coding-DNA position 1484, A replaced by G.
Protein change: p.Gln495Arg; replaces glutamine 495 with arginine.
Molecular consequence: missense variant. On other transcripts: non-coding transcript variant (3).
Genome position (GRCh38, 1-based): chr7:124,835,300, T>C on the plus strand (A>G on the coding strand, the complement: POT1 is on the minus strand). VCF-style: chr7-124835300-T-C. GRCh37 (hg19) VCF-style: chr7-124475354-T-C.
Other names: c.1091A>G, p.Gln364Arg (NM_001042594.2); short protein forms Q364R, Q495R.
Identifiers: ClinVar variation 3782001 (VCV003782001.1).
Genomic context (GRCh38, chr7:124,835,300, plus strand): 5'-AATAAACAAAACAAAACAAAACAAAACAAAACAAAATACCCATAGTGATGTATTGTTCCT[T>C]GTATAAGAAATGGTGCTGAAAGGTCCAAAAGTTCCAGGTCTTCGTGGCCAGATCTCACAG-3'
Protein context (NP_056265.2, residues 485-505): LLDLSAPFLI[Gln495Arg]GTIHHYGCKQ